The following is an entry in ClinVar:

ClinVar aggregate classification (germline): Uncertain significance (1 of 4 stars; one submission).

Conditions:
Ullrich congenital muscular dystrophy 2 (UCMD2). Identifiers: Orphanet 75840, MedGen C4225314, MONDO:0014654, OMIM 616470.
Bethlem myopathy 2 (BTHLM2). Identifiers: Orphanet 536516, Orphanet 610, MedGen C4225313, MONDO:0034022, OMIM 616471.

Submission:

Labcorp Genetics (formerly Invitae), Labcorp
Classification: Uncertain significance for Bethlem myopathy 2; Ullrich congenital muscular dystrophy 2. Last evaluated: 2024-02-06. Review status: criteria provided, single submitter. Criteria: Invitae Variant Classification Sherloc (09022015). Collection method: clinical testing. Allele origin: germline.
Comment: This sequence change replaces valine, which is neutral and non-polar, with methionine, which is neutral and non-polar, at codon 1134 of the COL12A1 protein (p.Val1134Met). This variant is not present in population databases (gnomAD no frequency). This variant has not been reported in the literature in individuals affected with COL12A1-related conditions. Advanced modeling of protein sequence and biophysical properties (such as structural, functional, and spatial information, amino acid conservation, physicochemical variation, residue mobility, and thermodynamic stability) performed at Invitae indicates that this missense variant is not expected to disrupt COL12A1 protein function with a negative predictive value of 80%. In summary, the available evidence is currently insufficient to determine the role of this variant in disease. Therefore, it has been classified as a Variant of Uncertain Significance.

NM_004370.6(COL12A1):c.3400G>A (p.Val1134Met)

Gene: COL12A1 (collagen type XII alpha 1 chain; minus strand). Cytogenetic location: 6q13.
Variant type: single nucleotide variant.
Coding change: c.3400G>A on transcript NM_004370.6 (MANE Select); coding-DNA position 3400, G replaced by A.
Protein change: p.Val1134Met; replaces valine 1134 with methionine.
Molecular consequence: missense variant. On other transcripts: intron variant (2).
Genome position (GRCh38, 1-based): chr6:75,155,705, C>T on the plus strand (G>A on the coding strand, the complement: COL12A1 is on the minus strand). VCF-style: chr6-75155705-C-T. GRCh37 (hg19) VCF-style: chr6-75865421-C-T.
Other names: c.3127G>A, p.Val1043Met (NM_001424115.1); c.74-3223G>A (NM_001424116.1, NM_080645.3); c.3400G>A, p.Val1134Met (NM_001424113.1, NM_001424114.1); short protein forms V1043M, V1134M.
Identifiers: ClinVar variation 3754472 (VCV003754472.2).